The following is an entry in ClinVar:

ClinVar aggregate classification (germline): Uncertain significance. Review status: criteria provided, multiple submitters, no conflicts (2 of 4 stars). 4 submissions from 4 submitters: Uncertain significance (4). Last evaluated 2025-07-15.

Conditions:
Inborn genetic diseases. Identifiers: MedGen C0950123, MeSH D030342.
ARHGAP31-related disorder. Also called: ARHGAP31-related condition.

Allele frequency attached by ClinVar (database versions not stated): ExAC 0.00001; gnomAD 0.00001; gnomAD exomes 0.00002 and 0.00004; TOPMed 0.00002.

Submissions (4):

Ambry Genetics
Classification: Uncertain significance for Inborn genetic diseases. Last evaluated: 2025-07-15. Review status: criteria provided, single submitter. Criteria: Ambry Variant Classification Scheme 2023. Collection method: clinical testing. Allele origin: germline.

PreventionGenetics, part of Exact Sciences
Classification: Uncertain significance for ARHGAP31-related condition. Last evaluated: 2023-02-16. Review status: criteria provided, single submitter. Criteria: ACMG Guidelines, 2015. Collection method: clinical testing. Allele origin: germline.
Comment: The ARHGAP31 c.2414A>T variant is predicted to result in the amino acid substitution p.Glu805Val. To our knowledge, this variant has not been reported in the literature. This variant is reported in 0.0039% of alleles in individuals of European (Non-Finnish) descent in gnomAD. At this time, the clinical significance of this variant is uncertain due to the absence of conclusive functional and genetic evidence.

Labcorp Genetics (formerly Invitae), Labcorp
Classification: Uncertain significance. Last evaluated: 2023-02-14. Review status: criteria provided, single submitter. Criteria: Invitae Variant Classification Sherloc (09022015). Collection method: clinical testing. Allele origin: germline.
Comment: In summary, the available evidence is currently insufficient to determine the role of this variant in disease. Therefore, it has been classified as a Variant of Uncertain Significance. Algorithms developed to predict the effect of missense changes on protein structure and function output the following: SIFT: "Tolerated"; PolyPhen-2: "Benign"; Align-GVGD: "Class C0". The valine amino acid residue is found in multiple mammalian species, which suggests that this missense change does not adversely affect protein function. ClinVar contains an entry for this variant (Variation ID: 1307795). This variant has not been reported in the literature in individuals affected with ARHGAP31-related conditions. This sequence change replaces glutamic acid, which is acidic and polar, with valine, which is neutral and non-polar, at codon 805 of the ARHGAP31 protein (p.Glu805Val). This variant is present in population databases (rs759404744, gnomAD 0.004%).

GeneDx
Classification: Uncertain significance. Last evaluated: 2019-08-14. Review status: criteria provided, single submitter. Criteria: GeneDx Variant Classification Process June 2021. Collection method: clinical testing. Allele origin: germline. Affected: yes.
Comment: Not observed at a significant frequency in large population cohorts (Lek et al., 2016); In silico analysis, which includes protein predictors and evolutionary conservation, supports a deleterious effect; Splice predictors suggest this variant may impact gene splicing. In the absence of RNA/functional studies, the actual effect of this sequence change is unknown.; Has not been previously published as pathogenic or benign to our knowledge

NM_020754.4(ARHGAP31):c.2414A>T (p.Glu805Val)

Gene: ARHGAP31 (Rho GTPase activating protein 31; plus strand). Cytogenetic location: 3q13.33.
Variant type: single nucleotide variant.
Coding change: c.2414A>T on transcript NM_020754.4 (MANE Select); coding-DNA position 2414, A replaced by T.
Protein change: p.Glu805Val; replaces glutamic acid 805 with valine.
Molecular consequence: missense variant.
Genome position (GRCh38, 1-based): chr3:119,414,343, A>T. VCF-style: chr3-119414343-A-T. GRCh37 (hg19) VCF-style: chr3-119133190-A-T.
Other names: c.2414A>T (NM_020754.3); short protein forms E805V.
Identifiers: ClinVar variation 1307795 (VCV001307795.9), dbSNP rs759404744, ClinGen allele CA2554034.
Genomic context (GRCh38, chr3:119,414,343, plus strand): 5'-CTCCCCCTCCAACTCCTCTGGAGGAGTCAACTCCAGTCCTGCTTTCAAAGGGCGGCCCGG[A>T]AAGAGAAGACTCATCCAGGAAATTGAGGACAGATCTCTACATAGACCAGCTGAAGTCCCA-3'
Protein context (NP_065805.2, residues 795-815): TPVLLSKGGP[Glu805Val]REDSSRKLRT